The following is an entry in ClinVar:

ClinVar aggregate classification (germline): Uncertain significance. Review status: criteria provided, multiple submitters, no conflicts (2 of 4 stars). 2 submissions from 2 submitters: Uncertain significance (2). Last evaluated 2024-09-12.

Allele frequency attached by ClinVar (database versions not stated): gnomAD exomes below 0.00001.

Submissions (2):

Blueprint Genetics
Classification: Uncertain significance. Last evaluated: 2024-09-12. Review status: criteria provided, single submitter. Criteria: ACMG Guidelines, 2015. Collection method: clinical testing. Allele origin: germline.

Labcorp Genetics (formerly Invitae), Labcorp
Classification: Uncertain significance. Last evaluated: 2022-02-23. Review status: criteria provided, single submitter. Criteria: Invitae Variant Classification Sherloc (09022015). Collection method: clinical testing. Allele origin: germline.
Comment: This sequence change replaces asparagine, which is neutral and polar, with serine, which is neutral and polar, at codon 125 of the LRAT protein (p.Asn125Ser). This variant is not present in population databases (gnomAD no frequency). This variant has not been reported in the literature in individuals affected with LRAT-related conditions. Algorithms developed to predict the effect of missense changes on protein structure and function (SIFT, PolyPhen-2, Align-GVGD) all suggest that this variant is likely to be disruptive. In summary, the available evidence is currently insufficient to determine the role of this variant in disease. Therefore, it has been classified as a Variant of Uncertain Significance.

NM_004744.5(LRAT):c.374A>G (p.Asn125Ser)

Gene: LRAT (lecithin retinol acyltransferase; plus strand). Cytogenetic location: 4q32.1.
Variant type: single nucleotide variant.
Coding change: c.374A>G on transcript NM_004744.5 (MANE Select); coding-DNA position 374, A replaced by G.
Protein change: p.Asn125Ser; replaces asparagine 125 with serine.
Molecular consequence: missense variant.
Genome position (GRCh38, 1-based): chr4:154,744,700, A>G. VCF-style: chr4-154744700-A-G. GRCh37 (hg19) VCF-style: chr4-155665852-A-G.
Other names: c.374A>G, p.Asn125Ser (NM_001301645.2); short protein forms N125S.
Identifiers: ClinVar variation 1487229 (VCV001487229.4), dbSNP rs1560870996, ClinGen allele CA358630555.